The following is an entry in ClinVar:

NM_024675.4(PALB2):c.1469C>G (p.Pro490Arg)

Gene: PALB2 (partner and localizer of BRCA2; minus strand). Cytogenetic location: 16p12.2.
Variant type: single nucleotide variant.
Coding change: c.1469C>G on transcript NM_024675.4 (MANE Select); coding-DNA position 1469, C replaced by G.
Protein change: p.Pro490Arg; replaces proline 490 with arginine.
Molecular consequence: missense variant. On other transcripts: intron variant (3).
Genome position (GRCh38, 1-based): chr16:23,635,077, G>C on the plus strand (C>G on the coding strand, the complement: PALB2 is on the minus strand). VCF-style: chr16-23635077-G-C. GRCh37 (hg19) VCF-style: chr16-23646398-G-C.
Other names: c.1409C>G, p.Pro470Arg (NM_001407296.1); c.1469C>G, p.Pro490Arg (NM_001407297.1, NM_001407298.1, NM_001407299.1 and 3 more transcripts); c.584C>G, p.Pro195Arg (NM_001407304.1, NM_001407305.1, NM_001407306.1 and 5 more transcripts); c.49-5802C>G (NM_001407314.1); c.-104-4608C>G (NM_001407313.1, NM_001407312.1); short protein forms P195R, P470R, P490R.
Identifiers: ClinVar variation 4664176 (VCV004664176.1).

ClinVar aggregate classification (germline): Uncertain significance (1 of 4 stars; one submission).

Conditions:
Hereditary cancer-predisposing syndrome. Also called: Neoplastic Syndromes, Hereditary; Tumor predisposition; Hereditary Cancer Syndrome; Hereditary neoplastic syndrome. Identifiers: Orphanet 140162, MedGen C0027672, MeSH D009386, MONDO:0015356.

Submission:

Ambry Genetics
Classification: Uncertain significance for Hereditary cancer-predisposing syndrome. Last evaluated: 2025-11-26. Review status: criteria provided, single submitter. Criteria: Ambry Variant Classification Scheme 2023. Collection method: clinical testing. Allele origin: germline.
Comment: The p.P490R variant (also known as c.1469C>G), located in coding exon 4 of the PALB2 gene, results from a C to G substitution at nucleotide position 1469. The proline at codon 490 is replaced by arginine, an amino acid with dissimilar properties. This amino acid position is conserved. In addition, this alteration is predicted to be tolerated by in silico analysis. Based on the available evidence, the clinical significance of this variant remains unclear.